The following is an entry in ClinVar:

NM_003194.5(TBP):c.192GCA[11] (p.Gln95_Ala96insGlnGlnGln)

Genes: TBP (TATA-box binding protein; plus strand), LOC108663996 (TATA-box binding protein repeat instability region; plus strand). Cytogenetic location: 6q27.
Variant type: Microsatellite.
Coding change: c.192GCA[11] on transcript NM_003194.5 (MANE Select); 11 copies in a row of the 3-base unit GCA starting at c.192; the reference has eight copies in a row; three copies, 9 bases duplicated.
Protein change: p.Gln95_Ala96insGlnGlnGln.
Molecular consequence: inframe insertion.
Genome position (GRCh38, 1-based): chr6:170,561,943-170,561,951, GCAGCAGCA duplicated; duplicating any 9 consecutive bases within chr6:170,561,926-170,561,951 gives the same sequence; the position shown is the placement nearest the transcript's 3' end. VCF-style (leftmost placement, unchanged base first): chr6-170561925-A-ACAGCAGCAG. GRCh37 (hg19) VCF-style: chr6-170871013-A-ACAGCAGCAG.
Other names: c.132GCA[11], p.Gln75_Ala76insGlnGlnGln (NM_001172085.2).
Identifiers: ClinVar variation 3390327 (VCV003390327.14).
Genomic context (GRCh38, chr6:170,561,925, plus strand): 5'-TCAGAACACCAATAGTCTGTCTATTTTGGAAGAGCAACAAAGGCAGCAGCAGCAACAACA[A>ACAGCAGCAG]CAGCAGCAGCAGCAGCAGCAGCAGCAACAGCAACAGCAGCAGCAGCAGCAGCAGCAGCAG-3'

ClinVar aggregate classification (germline): Likely benign (1 of 4 stars; one submission).

Submission:

CeGaT Center for Human Genetics Tuebingen
Classification: Likely benign. Last evaluated: 2025-11-01. Review status: criteria provided, single submitter. Criteria: CeGaT Center For Human Genetics Tuebingen Variant Classification Criteria Version 2. Collection method: clinical testing. Allele origin: germline. Affected: yes. Observed: 5 variant alleles.
Comment: TBP: BS2